The following is an entry in ClinVar:

ClinVar aggregate classification (germline): Pathogenic (1 of 4 stars; one submission).

Submission:

Labcorp Genetics (formerly Invitae), Labcorp
Classification: Pathogenic. Last evaluated: 2025-10-29. Review status: criteria provided, single submitter. Criteria: Invitae Variant Classification Sherloc (09022015). Collection method: clinical testing. Allele origin: germline.
Comment: This sequence change creates a premature translational stop signal (p.Val310Lysfs*7) in the RP2 gene. While this is not anticipated to result in nonsense mediated decay, it is expected to disrupt the last 41 amino acid(s) of the RP2 protein. This variant is not present in population databases (gnomAD no frequency). This premature translational stop signal has been observed in individual(s) with X-Linked retinitis pigmentosa (PMID: 10053026). This variant disrupts a region of the RP2 protein in which other variant(s) (p.Asn316*) have been determined to be pathogenic (PMID: 32856788; internal data). This suggests that this is a clinically significant region of the protein, and that variants that disrupt it are likely to be disease-causing. For these reasons, this variant has been classified as Pathogenic.

Literature cited by the submitters: PubMed 10053026; PubMed 32856788.

NM_006915.3(RP2):c.925_926dup (p.Val310fs)

Gene: RP2 (RP2 activator of ARL3 GTPase; plus strand). Cytogenetic location: Xp11.3.
Variant type: Duplication.
Coding change: c.925_926dup on transcript NM_006915.3 (MANE Select); coding-DNA positions 925 to 926, 2 bases duplicated (GA; older notation c.925_926dupGA).
Protein change: p.Val310fs; shifts the reading frame from valine 310.
Molecular consequence: frameshift variant.
Genome position (GRCh38, 1-based): chrX:46,877,546-46,877,547, GA duplicated; duplicating any 2 consecutive bases within chrX:46,877,545-46,877,547 gives the same sequence; the c. name uses the placement nearest the transcript's 3' end. VCF-style (leftmost placement, unchanged base first): chrX-46877544-T-TAG. GRCh37 (hg19) VCF-style: chrX-46736979-T-TAG.
Other names: short protein forms V310fs.
Identifiers: ClinVar variation 4710746 (VCV004710746.1).